The following is an entry in ClinVar:

NM_033028.5(BBS4):c.77-206T>C

Gene: BBS4 (Bardet-Biedl syndrome 4; plus strand). Cytogenetic location: 15q24.1.
Variant type: single nucleotide variant.
Coding change: c.77-206T>C on transcript NM_033028.5 (MANE Select); 206 bases into the intron before coding-DNA position 77, T replaced by C.
Molecular consequence: intron variant.
Genome position (GRCh38, 1-based): chr15:72,709,494, T>C. VCF-style: chr15-72709494-T-C. GRCh37 (hg19) VCF-style: chr15-73001835-T-C.
Other names: c.77-206T>C (NM_001320665.2); c.-445-206T>C (NM_001252678.2).
Identifiers: ClinVar variation 4985611 (VCV004985611.1).

ClinVar aggregate classification (germline): Likely benign (1 of 4 stars; one submission).

Conditions:
BBS4-related disorder. Also called: BBS4-related condition.

gnomAD v4.1: 3 of 152,340 alleles (0.002%); highest among the groups gnomAD compares: Middle Eastern, 0.34%; no homozygotes.

Submission:

PreventionGenetics, part of Exact Sciences
Classification: Likely benign for BBS4-related condition. Last evaluated: 2026-03-31. Review status: criteria provided, single submitter. Criteria: ACMG Guidelines, 2015. Collection method: clinical testing. Allele origin: germline.
Comment: This variant is classified as likely benign based on ACMG/AMP sequence variant interpretation guidelines (Richards et al. 2015 PMID: 25741868, with internal and published modifications).